The following is an entry in ClinVar:

ClinVar aggregate classification (germline): Uncertain significance. Review status: criteria provided, multiple submitters, no conflicts (2 of 4 stars). 3 submissions from 3 submitters: Uncertain significance (2). 1 of the submissions does not count toward it. Last evaluated 2025-04-09.

Conditions:
POLG-related disorder. Also called: POLG-related condition; POLG-Related Disorders; POLG-Related Spectrum Disorders. Identifiers: MedGen C4763519.
Progressive sclerosing poliodystrophy (MTDPS4A). Also called: ALPERS PROGRESSIVE INFANTILE POLIODYSTROPHY; NEURONAL DEGENERATION OF CHILDHOOD WITH LIVER DISEASE, PROGRESSIVE; Mitochondrial DNA Depletion Syndrome 4A; Alpers Syndrome; ALPERS DIFFUSE DEGENERATION OF CEREBRAL GRAY MATTER WITH HEPATIC CIRRHOSIS; Alpers-Huttenlocher Syndrome. Identifiers: Orphanet 726, MedGen C0205710, MONDO:0008758, OMIM 203700.

Allele frequency attached by ClinVar (database versions not stated): gnomAD exomes below 0.00001; TOPMed 0.00001.
gnomAD v4.1: 1 of 1,535,732 alleles (0.000065%); highest among the groups gnomAD compares: African/African-American, 0.0014%; no homozygotes.

Submissions (3):

Labcorp Genetics (formerly Invitae), Labcorp
Classification: Uncertain significance for Progressive sclerosing poliodystrophy. Last evaluated: 2025-04-09. Review status: criteria provided, single submitter. Criteria: Invitae Variant Classification Sherloc (09022015). Collection method: clinical testing. Allele origin: germline.
Comment: This sequence change replaces lysine, which is basic and polar, with asparagine, which is neutral and polar, at codon 8 of the POLG protein (p.Lys8Asn). This variant is not present in population databases (gnomAD no frequency). This variant has not been reported in the literature in individuals affected with POLG-related conditions. ClinVar contains an entry for this variant (Variation ID: 289990). Invitae Evidence Modeling of protein sequence and biophysical properties (such as structural, functional, and spatial information, amino acid conservation, physicochemical variation, residue mobility, and thermodynamic stability) indicates that this missense variant is not expected to disrupt POLG protein function with a negative predictive value of 95%. In summary, the available evidence is currently insufficient to determine the role of this variant in disease. Therefore, it has been classified as a Variant of Uncertain Significance.

Eurofins Ntd Llc (ga)
Classification: Uncertain significance. Last evaluated: 2016-08-02. Review status: criteria provided, single submitter. Criteria: EGL Classification Definitions 2015. Collection method: clinical testing. Allele origin: germline. Observed: 1 variant allele, 1 heterozygote.

PreventionGenetics, part of Exact Sciences
Classification: Uncertain significance for POLG-related condition. Last evaluated: 2024-02-03. Review status: no assertion criteria provided. Collection method: clinical testing. Allele origin: germline. Not counted in ClinVar's aggregate classification.
Comment: The POLG c.24G>C variant is predicted to result in the amino acid substitution p.Lys8Asn. To our knowledge, this variant has not been reported in the literature or in a large population database, indicating this variant is rare. At this time, the clinical significance of this variant is uncertain due to the absence of conclusive functional and genetic evidence.

NM_002693.3(POLG):c.24G>C (p.Lys8Asn)

Genes: POLG (DNA polymerase gamma, catalytic subunit; minus strand), POLGARF (POLG alternative reading frame; minus strand). Cytogenetic location: 15q26.1.
Variant type: single nucleotide variant.
Coding change: c.24G>C on transcript NM_002693.3 (MANE Select); coding-DNA position 24, G replaced by C.
Protein change: p.Lys8Asn; replaces lysine 8 with asparagine.
Molecular consequence: missense variant.
Genome position (GRCh38, 1-based): chr15:89,333,731, C>G on the plus strand (G>C on the coding strand, the complement: POLG is on the minus strand). VCF-style: chr15-89333731-C-G. GRCh37 (hg19) VCF-style: chr15-89876962-C-G.
Other names: c.24G>C, p.Lys8Asn (NM_001126131.2); c.24G>C (NM_002693.2); short protein forms K8N.
Identifiers: ClinVar variation 289990 (VCV000289990.10), dbSNP rs886044323, ClinGen allele CA10602224.